The following is an entry in ClinVar:

ClinVar aggregate classification (germline): Uncertain significance (1 of 4 stars; one submission).

Conditions:
Lipodystrophy, partial, acquired, susceptibility to (APLD). Also called: APLD, SUSCEPTIBILITY TO. Identifiers: MedGen C3887501, MONDO:0100476, OMIM 608709.
Progressive myoclonic epilepsy type 9. Identifiers: Orphanet 457265, MedGen C4225289, MONDO:0014685, OMIM 616540.

Allele frequency attached by ClinVar (database versions not stated): gnomAD exomes below 0.00001; gnomAD 0.00001; TOPMed 0.00001.
gnomAD v4.1: 10 of 1,608,124 alleles (0.00062%); highest among the groups gnomAD compares: Non-Finnish European, 0.00085%; no homozygotes.

Submission:

Labcorp Genetics (formerly Invitae), Labcorp
Classification: Uncertain significance for Progressive myoclonic epilepsy type 9; Lipodystrophy, partial, acquired, susceptibility to. Last evaluated: 2024-10-09. Review status: criteria provided, single submitter. Criteria: Invitae Variant Classification Sherloc (09022015). Collection method: clinical testing. Allele origin: germline.
Comment: This sequence change replaces threonine, which is neutral and polar, with isoleucine, which is neutral and non-polar, at codon 281 of the LMNB2 protein (p.Thr281Ile). This variant is present in population databases (no rsID available, gnomAD 0.0009%). This variant has not been reported in the literature in individuals affected with LMNB2-related conditions. ClinVar contains an entry for this variant (Variation ID: 1430196). Invitae Evidence Modeling of protein sequence and biophysical properties (such as structural, functional, and spatial information, amino acid conservation, physicochemical variation, residue mobility, and thermodynamic stability) indicates that this missense variant is not expected to disrupt LMNB2 protein function with a negative predictive value of 80%. In summary, the available evidence is currently insufficient to determine the role of this variant in disease. Therefore, it has been classified as a Variant of Uncertain Significance.

NM_032737.4(LMNB2):c.842C>T (p.Thr281Ile)

Gene: LMNB2 (lamin B2; minus strand). Cytogenetic location: 19p13.3.
Variant type: single nucleotide variant.
Coding change: c.842C>T on transcript NM_032737.4 (MANE Select); coding-DNA position 842, C replaced by T.
Protein change: p.Thr281Ile; replaces threonine 281 with isoleucine.
Molecular consequence: missense variant.
Genome position (GRCh38, 1-based): chr19:2,435,014, G>A on the plus strand (C>T on the coding strand, the complement: LMNB2 is on the minus strand). VCF-style: chr19-2435014-G-A. GRCh37 (hg19) VCF-style: chr19-2435012-G-A.
Other names: short protein forms T281I.
Identifiers: ClinVar variation 1430196 (VCV001430196.8), dbSNP rs1211211815, ClinGen allele CA403255124.